The following is an entry in ClinVar:

NM_024675.4(PALB2):c.1125A>G (p.Leu375=)

Gene: PALB2 (partner and localizer of BRCA2; minus strand). Cytogenetic location: 16p12.2.
Variant type: single nucleotide variant.
Coding change: c.1125A>G on transcript NM_024675.4 (MANE Select); coding-DNA position 1125, A replaced by G.
Protein change: p.Leu375=; no amino-acid change (leucine 375 retained).
Molecular consequence: synonymous variant.
Genome position (GRCh38, 1-based): chr16:23,635,421, T>C on the plus strand (A>G on the coding strand, the complement: PALB2 is on the minus strand). VCF-style: chr16-23635421-T-C. GRCh37 (hg19) VCF-style: chr16-23646742-T-C.
Identifiers: ClinVar variation 766036 (VCV000766036.14), dbSNP rs767284930, ClinGen allele CA494461988.
Genomic context (GRCh38, chr16:23,635,421, plus strand): 5'-AGAATGTTTTTCTGCAGAAAGAGGAGAGGTTGCTTCCAGGCTAAGACTCTTAGGTTGACT[T>C]AGAATCTCACTTTCCTGAAGATTTTCATTCCTGCCATCAAGAGTGTCACTGGGAGATTTT-3'
Protein context (NP_078951.2, residues 365-385): RNENLQESEI[Leu375=]SQPKSLSLEA

ClinVar aggregate classification (germline): Benign/Likely benign. Review status: criteria provided, multiple submitters, no conflicts (2 of 4 stars). 4 submissions from 4 submitters: Benign (1); Likely benign (3). Last evaluated 2025-09-27.

Conditions:
Familial cancer of breast. Also called: BREAST CANCER, FAMILIAL; hereditary breast carcinoma; Hereditary breast cancer. Identifiers: Orphanet 227535, MedGen C0346153, MONDO:0016419, OMIM 114480. Disease mechanism: loss of function.
Hereditary cancer-predisposing syndrome. Also called: Tumor predisposition; Neoplastic Syndromes, Hereditary; Hereditary Cancer Syndrome; Hereditary neoplastic syndrome. Identifiers: Orphanet 140162, MedGen C0027672, MeSH D009386, MONDO:0015356.

Allele frequency attached by ClinVar (database versions not stated): TOPMed below 0.00001; gnomAD 0.00001.
gnomAD v4.1: 2 of 1,613,870 alleles (0.00012%); highest among the groups gnomAD compares: Non-Finnish European, 0.00017%; no homozygotes.

Submissions (4):

Labcorp Genetics (formerly Invitae), Labcorp
Classification: Likely benign for Familial cancer of breast. Last evaluated: 2025-09-27. Review status: criteria provided, single submitter. Criteria: Invitae Variant Classification Sherloc (09022015). Collection method: clinical testing. Allele origin: germline.

Myriad Genetics, Inc.
Classification: Benign for Familial cancer of breast. Last evaluated: 2025-01-13. Review status: criteria provided, single submitter. Criteria: Myriad Autosomal Dominant, Autosomal Recessive and X-Linked Classification Criteria (2023). Collection method: clinical testing. Allele origin: unknown.
Comment: This variant is considered benign. This variant is a silent/synonymous amino acid change and it is not expected to impact splicing.

Ambry Genetics
Classification: Likely benign for Hereditary cancer-predisposing syndrome. Last evaluated: 2022-02-06. Review status: criteria provided, single submitter. Criteria: Ambry Variant Classification Scheme 2023. Collection method: clinical testing. Allele origin: germline.

Color Diagnostics, LLC DBA Color Health
Classification: Likely benign for Hereditary cancer-predisposing syndrome. Last evaluated: 2019-02-26. Review status: criteria provided, single submitter. Criteria: ACMG Guidelines, 2015. Collection method: clinical testing. Allele origin: germline.